The following is an entry in ClinVar:

ClinVar aggregate classification (germline): Likely benign (0 of 4 stars; one submission).

Conditions:
PHF8-related disorder. Also called: PHF8-related condition.

Allele frequency attached by ClinVar (database versions not stated): ExAC 0.00002; TOPMed 0.00002; gnomAD 0.00003; gnomAD exomes 0.00007; ESP Exome Variant Server 0.00009.
gnomAD v4.1: 72 of 1,205,144 alleles (0.006%); highest among the groups gnomAD compares: Non-Finnish European, 0.008%; no homozygotes.

Submission:

PreventionGenetics, part of Exact Sciences
Classification: Likely benign for PHF8-related condition. Last evaluated: 2023-08-03. Review status: no assertion criteria provided. Collection method: clinical testing. Allele origin: germline.
Comment: This variant is classified as likely benign based on ACMG/AMP sequence variant interpretation guidelines (Richards et al. 2015 PMID: 25741868, with internal and published modifications).

NM_015107.3(PHF8):c.2214G>A (p.Pro738=)

Gene: PHF8 (PHD finger protein 8; minus strand). Cytogenetic location: Xp11.22.
Variant type: single nucleotide variant.
Coding change: c.2214G>A on transcript NM_015107.3 (MANE Select); coding-DNA position 2214, G replaced by A.
Protein change: p.Pro738=; no amino-acid change (proline 738 retained).
Molecular consequence: synonymous variant.
Genome position (GRCh38, 1-based): chrX:53,985,143, C>T on the plus strand (G>A on the coding strand, the complement: PHF8 is on the minus strand). VCF-style: chrX-53985143-C-T. GRCh37 (hg19) VCF-style: chrX-54011576-C-T.
Other names: c.2322G>A, p.Pro774= (NM_001184896.1); c.1911G>A, p.Pro637= (NM_001184897.2); c.2163G>A, p.Pro721= (NM_001184898.2).
Identifiers: ClinVar variation 3055221 (VCV003055221.2), dbSNP rs140518672, ClinGen allele CA10423321.